The following is an entry in ClinVar:

NM_001130438.3(SPTAN1):c.6187C>T (p.His2063Tyr)

Gene: SPTAN1 (spectrin alpha, non-erythrocytic 1; plus strand). Cytogenetic location: 9q34.11.
Variant type: single nucleotide variant.
Coding change: c.6187C>T on transcript NM_001130438.3 (MANE Select); coding-DNA position 6187, C replaced by T.
Protein change: p.His2063Tyr; replaces histidine 2063 with tyrosine.
Molecular consequence: missense variant.
Genome position (GRCh38, 1-based): chr9:128,625,886, C>T. VCF-style: chr9-128625886-C-T. GRCh37 (hg19) VCF-style: chr9-131388165-C-T.
Other names: c.6112C>T, p.His2038Tyr (NM_001195532.2); c.6187C>T, p.His2063Tyr (NM_001363759.2, NM_001375310.1, NM_001375311.2 and 1 more transcripts); c.6127C>T, p.His2043Tyr (NM_001363765.2, NM_001375314.2); c.6223C>T, p.His2075Tyr (NM_001375312.2, NM_001375318.1); c.6172C>T, p.His2058Tyr (NM_003127.4); short protein forms H2075Y, H2063Y, H2038Y, H2058Y, H2043Y.
Identifiers: ClinVar variation 2075639 (VCV002075639.4), dbSNP rs2542190444, ClinGen allele CA375086918.

ClinVar aggregate classification (germline): Uncertain significance (1 of 4 stars; one submission).

Conditions:
Early-infantile DEE. Also called: Ohtahara syndrome; Early infantile epileptic encephalopathy with suppression bursts; Early infantile epileptic encephalopathy. Identifiers: Orphanet 1934, MedGen C0393706, MONDO:0800491.

Submission:

Labcorp Genetics (formerly Invitae), Labcorp
Classification: Uncertain significance for Early-infantile DEE. Last evaluated: 2022-02-19. Review status: criteria provided, single submitter. Criteria: Invitae Variant Classification Sherloc (09022015). Collection method: clinical testing. Allele origin: germline.
Comment: In summary, the available evidence is currently insufficient to determine the role of this variant in disease. Therefore, it has been classified as a Variant of Uncertain Significance. Algorithms developed to predict the effect of sequence changes on RNA splicing suggest that this variant may create or strengthen a splice site. Algorithms developed to predict the effect of missense changes on protein structure and function are either unavailable or do not agree on the potential impact of this missense change (SIFT: "Deleterious"; PolyPhen-2: "Benign"; Align-GVGD: "Class C65"). This variant has not been reported in the literature in individuals affected with SPTAN1-related conditions. This variant is not present in population databases (gnomAD no frequency). This sequence change replaces histidine, which is basic and polar, with tyrosine, which is neutral and polar, at codon 2063 of the SPTAN1 protein (p.His2063Tyr).